The following is an entry in ClinVar:

NM_182931.3(KMT2E):c.5147C>T (p.Pro1716Leu)

Gene: KMT2E (lysine methyltransferase 2E (inactive); plus strand). Cytogenetic location: 7q22.3.
Variant type: single nucleotide variant.
Coding change: c.5147C>T on transcript NM_182931.3 (MANE Select); coding-DNA position 5147, C replaced by T.
Protein change: p.Pro1716Leu; replaces proline 1716 with leucine.
Molecular consequence: missense variant.
Genome position (GRCh38, 1-based): chr7:105,112,903, C>T. VCF-style: chr7-105112903-C-T. GRCh37 (hg19) VCF-style: chr7-104753350-C-T.
Other names: c.5021C>T, p.Pro1674Leu (NM_001410908.1); c.5147C>T, p.Pro1716Leu (NM_018682.4); short protein forms P1674L, P1716L.
Identifiers: ClinVar variation 4808454 (VCV004808454.1).

ClinVar aggregate classification (germline): Uncertain significance (1 of 4 stars; one submission).

gnomAD v4.1: 3 of 1,613,388 alleles (0.00019%); highest among the groups gnomAD compares: Non-Finnish European, 0.00025%; no homozygotes.

Submission:

Labcorp Genetics (formerly Invitae), Labcorp
Classification: Uncertain significance. Last evaluated: 2025-02-11. Review status: criteria provided, single submitter. Criteria: Invitae Variant Classification Sherloc (09022015). Collection method: clinical testing. Allele origin: germline.
Comment: This sequence change replaces proline, which is neutral and non-polar, with leucine, which is neutral and non-polar, at codon 1716 of the KMT2E protein (p.Pro1716Leu). This variant is present in population databases (no rsID available, gnomAD 0.0009%). This variant has not been reported in the literature in individuals affected with KMT2E-related conditions. An algorithm developed to predict the effect of missense changes on protein structure and function (PolyPhen-2) suggests that this variant is likely to be disruptive. In summary, the available evidence is currently insufficient to determine the role of this variant in disease. Therefore, it has been classified as a Variant of Uncertain Significance.